The following is an entry in ClinVar:

NM_004168.4(SDHA):c.1922A>G (p.Tyr641Cys)

Gene: SDHA (succinate dehydrogenase complex flavoprotein subunit A; plus strand). Cytogenetic location: 5p15.33.
Variant type: single nucleotide variant.
Coding change: c.1922A>G on transcript NM_004168.4 (MANE Select); coding-DNA position 1922, A replaced by G.
Protein change: p.Tyr641Cys; replaces tyrosine 641 with cysteine.
Molecular consequence: missense variant.
Genome position (GRCh38, 1-based): chr5:256,347, A>G. VCF-style: chr5-256347-A-G. GRCh37 (hg19) VCF-style: chr5-256462-A-G.
Other names: c.1778A>G, p.Tyr593Cys (NM_001294332.2); c.1679A>G, p.Tyr560Cys (NM_001330758.2); c.1922A>G (NM_004168.2); short protein forms Y593C, Y560C, Y641C.
Identifiers: ClinVar variation 2164029 (VCV002164029.5), dbSNP rs1385127518, ClinGen allele CA359002653.

ClinVar aggregate classification (germline): Uncertain significance. Review status: criteria provided, multiple submitters, no conflicts (2 of 4 stars). 2 submissions from 2 submitters: Uncertain significance (2). Last evaluated 2025-10-09.

Conditions:
Mitochondrial complex II deficiency, nuclear type 1. Also called: SUCCINATE CoQ REDUCTASE DEFICIENCY. Identifiers: Orphanet 3208, MedGen C5700310, MONDO:0100294, OMIM 252011.
Pheochromocytoma/paraganglioma syndrome 5. Also called: Paragangliomas 5; SDHA-Related Hereditary Paraganglioma-Pheochromocytoma Syndrome. Identifiers: Orphanet 29072, MedGen C3279992, MONDO:0013602, OMIM 614165.
Hereditary cancer-predisposing syndrome. Also called: Hereditary Cancer Syndrome; Neoplastic Syndromes, Hereditary; Tumor predisposition; Hereditary neoplastic syndrome. Identifiers: Orphanet 140162, MedGen C0027672, MeSH D009386, MONDO:0015356.

Allele frequency attached by ClinVar (database versions not stated): TOPMed below 0.00001; gnomAD 0.00001.
gnomAD v4.1: 1 of 1,613,538 alleles (0.000062%); highest among the groups gnomAD compares: Non-Finnish European, 0.000085%; no homozygotes.

Submissions (2):

Ambry Genetics
Classification: Uncertain significance for Hereditary cancer-predisposing syndrome. Last evaluated: 2025-10-09. Review status: criteria provided, single submitter. Criteria: Ambry Variant Classification Scheme 2023. Collection method: clinical testing. Allele origin: germline.
Comment: The p.Y641C variant (also known as c.1922A>G), located in coding exon 15 of the SDHA gene, results from an A to G substitution at nucleotide position 1922. The tyrosine at codon 641 is replaced by cysteine, an amino acid with highly dissimilar properties. This amino acid position is conserved. In addition, this alteration is predicted to be tolerated by in silico analysis. Based on the available evidence, the clinical significance of this variant remains unclear.

Labcorp Genetics (formerly Invitae), Labcorp
Classification: Uncertain significance for Pheochromocytoma/paraganglioma syndrome 5; Mitochondrial complex II deficiency, nuclear type 1. Last evaluated: 2023-05-19. Review status: criteria provided, single submitter. Criteria: Invitae Variant Classification Sherloc (09022015). Collection method: clinical testing. Allele origin: germline.
Comment: ClinVar contains an entry for this variant (Variation ID: 2164029). Advanced modeling of protein sequence and biophysical properties (such as structural, functional, and spatial information, amino acid conservation, physicochemical variation, residue mobility, and thermodynamic stability) has been performed at Invitae for this missense variant, however the output from this modeling did not meet the statistical confidence thresholds required to predict the impact of this variant on SDHA protein function. In summary, the available evidence is currently insufficient to determine the role of this variant in disease. Therefore, it has been classified as a Variant of Uncertain Significance. This variant has not been reported in the literature in individuals affected with SDHA-related conditions. This variant is not present in population databases (gnomAD no frequency). This sequence change replaces tyrosine, which is neutral and polar, with cysteine, which is neutral and slightly polar, at codon 641 of the SDHA protein (p.Tyr641Cys).